The following is an entry in ClinVar:

NM_171998.4(RAB39B):c.414C>G (p.Ala138=)

Gene: RAB39B (RAB39B, member RAS oncogene family; minus strand). Cytogenetic location: Xq28.
Variant type: single nucleotide variant.
Coding change: c.414C>G on transcript NM_171998.4 (MANE Select); coding-DNA position 414, C replaced by G.
Protein change: p.Ala138=; no amino-acid change (alanine 138 retained).
Molecular consequence: synonymous variant.
Genome position (GRCh38, 1-based): chrX:155,261,031, G>C on the plus strand (C>G on the coding strand, the complement: RAB39B is on the minus strand). VCF-style: chrX-155261031-G-C. GRCh37 (hg19) VCF-style: chrX-154490316-G-C.
Identifiers: ClinVar variation 3388901 (VCV003388901.14).

ClinVar aggregate classification (germline): Likely benign (1 of 4 stars; one submission).

Submission:

CeGaT Center for Human Genetics Tuebingen
Classification: Likely benign. Last evaluated: 2024-11-01. Review status: criteria provided, single submitter. Criteria: CeGaT Center For Human Genetics Tuebingen Variant Classification Criteria Version 2. Collection method: clinical testing. Allele origin: germline. Affected: yes. Observed: 1 variant allele.
Comment: RAB39B: PM2:Supporting, BP4, BP7